The following is an entry in ClinVar:

NM_000238.4(KCNH2):c.746del (p.Pro249fs)

Gene: KCNH2 (potassium voltage-gated channel subfamily H member 2; minus strand). Cytogenetic location: 7q36.1.
Variant type: Deletion.
Coding change: c.746del on transcript NM_000238.4 (MANE Select); coding-DNA position 746, one base deleted (C; older notation c.746delC).
Protein change: p.Pro249fs; shifts the reading frame from proline 249.
Molecular consequence: frameshift variant. On other transcripts: non-coding transcript variant (1).
Genome position (GRCh38, 1-based): chr7:150,958,229, G deleted on the plus strand (C on the coding strand, the reverse complement: KCNH2 is on the minus strand); the first of 3 consecutive G bases (chr7:150,958,229-150,958,231); deleting any one gives the same sequence. VCF-style (leftmost placement, unchanged base first): chr7-150958228-TG-T. GRCh37 (hg19) VCF-style: chr7-150655316-TG-T.
Other names: c.744delC, p.Pro249Hisfs (NM_000238.3); c.458del, p.Pro153fs (NM_001406753.1, NM_001406756.1); c.569del, p.Pro190fs (NM_001406755.1); c.446del, p.Pro149fs (NM_001406757.1); c.746del, p.Pro249fs (NM_172056.3); short protein forms P149fs, P153fs, P190fs, P249fs.
Identifiers: ClinVar variation 2584422 (VCV002584422.1), dbSNP rs2486090632, ClinGen allele CA2582341955.

ClinVar aggregate classification (germline): Pathogenic (1 of 4 stars; one submission).

Conditions:
KCNH2-related disorder. Also called: KCNH2-related condition; KCNH2-related disorders.

Submission:

Rady Children's Institute for Genomic Medicine, Rady Children's Hospital San Diego
Classification: Pathogenic for KCNH2-related disorders. Review status: criteria provided, single submitter. Criteria: ACMG Guidelines, 2015. Collection method: clinical testing. Allele origin: germline. Affected: yes.
Comment: This frameshifting variant in exon 4 of 15 introduces a premature stop codon and is therefore predicted to result in loss of normal protein function through either protein truncation or nonsense-mediated mRNA decay (NMD). This variant has not been previously reported or functionally characterized in the literature to our knowledge. The c.746del (p.Pro249HisfsTer111) variant is absent from the gnomAD population database and thus is presumed to be rare. Based on the available evidence, the c.746del (p.Pro249HisfsTer111) variant is classified as Pathogenic.